The following is an entry in ClinVar:

ClinVar aggregate classification (germline): Likely benign (1 of 4 stars; one submission).

Allele frequency attached by ClinVar (database versions not stated): TOPMed below 0.00001.
gnomAD v4.1: 139 of 1,605,910 alleles (0.0087%); highest among the groups gnomAD compares: South Asian, 0.13%; 3 homozygotes.

Submission:

CeGaT Center for Human Genetics Tuebingen
Classification: Likely benign. Last evaluated: 2026-03-01. Review status: criteria provided, single submitter. Criteria: CeGaT Center For Human Genetics Tuebingen Variant Classification Criteria Version 2. Collection method: clinical testing. Allele origin: germline. Affected: yes. Observed: 3 variant alleles.
Comment: CHD4: PP3, BS1

NM_001273.5(CHD4):c.4061-25G>C

Genes: CHD4 (chromodomain helicase DNA binding protein 4; minus strand), CHD4-AS1 (CHD4 antisense RNA 1; plus strand). Cytogenetic location: 12p13.31.
Variant type: single nucleotide variant.
Coding change: c.4061-25G>C on transcript NM_001273.5 (MANE Select); 25 bases into the intron before coding-DNA position 4061, G replaced by C.
Molecular consequence: intron variant.
Genome position (GRCh38, 1-based): chr12:6,583,138, C>G on the plus strand (G>C on the coding strand, the complement: CHD4 is on the minus strand). VCF-style: chr12-6583138-C-G. GRCh37 (hg19) VCF-style: chr12-6692304-C-G.
Other names: c.4022-25G>C (NM_001363606.2); c.4040-25G>C (NM_001297553.2).
Identifiers: ClinVar variation 2642625 (VCV002642625.24), dbSNP rs759889190, ClinGen allele CA6411660.